The following is an entry in ClinVar:

ClinVar aggregate classification (germline): Likely benign. Review status: criteria provided, multiple submitters, no conflicts (2 of 4 stars). 2 submissions from 2 submitters: Likely benign (2). Last evaluated 2026-08-18.

Conditions:
TBX3-related disorder. Also called: TBX3-related condition.
Ulnar-mammary syndrome (UMS). Also called: SCHINZEL SYNDROME; Ulnar-mammary syndrome of Pallister; PALLISTER ULNAR-MAMMARY SYNDROME. Identifiers: Orphanet 3138, MedGen C1866994, MONDO:0008411, OMIM 181450.

Allele frequency attached by ClinVar (database versions not stated): TOPMed below 0.00001.

Submissions (2):

PreventionGenetics, part of Exact Sciences
Classification: Likely benign for TBX3-related condition. Last evaluated: 2026-08-18. Review status: criteria provided, single submitter. Criteria: ACMG Guidelines, 2015. Collection method: clinical testing. Allele origin: germline.
Comment: This variant is classified as likely benign based on ACMG/AMP sequence variant interpretation guidelines (Richards et al. 2015 PMID: 25741868, with internal and published modifications).

Labcorp Genetics (formerly Invitae), Labcorp
Classification: Likely benign for Ulnar-mammary syndrome. Last evaluated: 2023-12-11. Review status: criteria provided, single submitter. Criteria: Invitae Variant Classification Sherloc (09022015). Collection method: clinical testing. Allele origin: germline.

NM_005996.4(TBX3):c.1821C>T (p.Pro607=)

Gene: TBX3 (T-box transcription factor 3; minus strand). Cytogenetic location: 12q24.21.
Variant type: single nucleotide variant.
Coding change: c.1821C>T on transcript NM_005996.4 (MANE Select); coding-DNA position 1821, C replaced by T.
Protein change: p.Pro607=; no amino-acid change (proline 607 retained).
Molecular consequence: synonymous variant.
Genome position (GRCh38, 1-based): chr12:114,672,192, G>A on the plus strand (C>T on the coding strand, the complement: TBX3 is on the minus strand). VCF-style: chr12-114672192-G-A. GRCh37 (hg19) VCF-style: chr12-115109997-G-A.
Other names: c.1881C>T (NM_016569.3); c.1881C>T, p.Pro627= (NM_016569.4).
Identifiers: ClinVar variation 2725113 (VCV002725113.4), dbSNP rs1194627053, ClinGen allele CA386868118.